The following is an entry in ClinVar:

ClinVar aggregate classification (germline): Uncertain significance. Review status: criteria provided, multiple submitters, no conflicts (2 of 4 stars). 2 submissions from 2 submitters: Uncertain significance (2). Last evaluated 2023-08-29.

Conditions:
RASopathy. Also called: Noonan spectrum disorder; rasopathies. Identifiers: Orphanet 536391, MedGen C5555857, MONDO:0021060.

Submissions (2):

Labcorp Genetics (formerly Invitae), Labcorp
Classification: Uncertain significance for RASopathy. Last evaluated: 2023-08-29. Review status: criteria provided, single submitter. Criteria: Invitae Variant Classification Sherloc (09022015). Collection method: clinical testing. Allele origin: germline.
Comment: In summary, the available evidence is currently insufficient to determine the role of this variant in disease. Therefore, it has been classified as a Variant of Uncertain Significance. Advanced modeling of protein sequence and biophysical properties (such as structural, functional, and spatial information, amino acid conservation, physicochemical variation, residue mobility, and thermodynamic stability) has been performed at Invitae for this missense variant, however the output from this modeling did not meet the statistical confidence thresholds required to predict the impact of this variant on CBL protein function. ClinVar contains an entry for this variant (Variation ID: 372891). This variant has not been reported in the literature in individuals affected with CBL-related conditions. This variant is not present in population databases (gnomAD no frequency). This sequence change replaces methionine, which is neutral and non-polar, with threonine, which is neutral and polar, at codon 222 of the CBL protein (p.Met222Thr).

GeneDx
Classification: Uncertain significance. Last evaluated: 2016-01-12. Review status: criteria provided, single submitter. Criteria: GeneDx Variant Classification (06012015). Collection method: clinical testing. Allele origin: germline. Affected: yes.
Comment: The M222T variant in the CBL gene has not been reported previously as a pathogenic variant, nor as a benign variant, to our knowledge. The M222T variant was not observed in approximately 6500 individuals of European and African American ancestry in the NHLBI Exome Sequencing Project, indicating it is not a common benign variant in these populations. The M222T variant is a non-conservative amino acid substitution, which is likely to impact secondary protein structure as these residues differ in polarity, charge, size and/or other properties. This substitution occurs at a position that is conserved across species. In silico analysis predicts this variant is probably damaging to the protein structure/function. We interpret M222T as a variant of uncertain significance.

NM_005188.4(CBL):c.665T>C (p.Met222Thr)

Gene: CBL (Cbl proto-oncogene; plus strand). Cytogenetic location: 11q23.3.
Variant type: single nucleotide variant.
Coding change: c.665T>C on transcript NM_005188.4 (MANE Select); coding-DNA position 665, T replaced by C.
Protein change: p.Met222Thr; replaces methionine 222 with threonine.
Molecular consequence: missense variant.
Genome position (GRCh38, 1-based): chr11:119,273,942, T>C. VCF-style: chr11-119273942-T-C. GRCh37 (hg19) VCF-style: chr11-119144652-T-C.
Other names: short protein forms M222T.
Identifiers: ClinVar variation 372891 (VCV000372891.4), dbSNP rs1057518053, ClinGen allele CA16042827.